The following is an entry in ClinVar:

ClinVar aggregate classification (germline): Benign/Likely benign. Review status: criteria provided, multiple submitters, no conflicts (2 of 4 stars). 4 submissions from 4 submitters: Benign (1); Likely benign (3). Last evaluated 2025-07-20.

Conditions:
Oligodontia-cancer predisposition syndrome. Also called: TOOTH AGENESIS-COLORECTAL CANCER SYNDROME. Identifiers: Orphanet 300576, MedGen C1837750, MONDO:0012075, OMIM 608615. Disease mechanism: loss of function.
Hereditary cancer-predisposing syndrome. Also called: Hereditary Cancer Syndrome; Hereditary neoplastic syndrome; Neoplastic Syndromes, Hereditary; Tumor predisposition. Identifiers: Orphanet 140162, MedGen C0027672, MeSH D009386, MONDO:0015356.

gnomAD v4.1: 1 of 1,613,430 alleles (0.000062%); highest among the groups gnomAD compares: African/African-American, 0.0013%; no homozygotes.

Submissions (4):

Labcorp Genetics (formerly Invitae), Labcorp
Classification: Likely benign for Oligodontia-cancer predisposition syndrome. Last evaluated: 2025-07-20. Review status: criteria provided, single submitter. Criteria: Invitae Variant Classification Sherloc (09022015). Collection method: clinical testing. Allele origin: germline.

Myriad Genetics, Inc.
Classification: Benign for Oligodontia-cancer predisposition syndrome. Last evaluated: 2024-07-08. Review status: criteria provided, single submitter. Criteria: Myriad Autosomal Dominant, Autosomal Recessive and X-Linked Classification Criteria (2023). Collection method: clinical testing. Allele origin: unknown.
Comment: This variant is considered benign. This variant is a silent/synonymous amino acid change and it is not expected to impact splicing.

Ambry Genetics
Classification: Likely benign for Hereditary cancer-predisposing syndrome. Last evaluated: 2022-10-27. Review status: criteria provided, single submitter. Criteria: Ambry Variant Classification Scheme 2023. Collection method: clinical testing. Allele origin: germline.

GeneDx
Classification: Likely benign. Last evaluated: 2016-06-23. Review status: criteria provided, single submitter. Criteria: GeneDx Variant Classification (06012015). Collection method: clinical testing. Allele origin: germline. Affected: yes.
Comment: This variant is considered likely benign or benign based on one or more of the following criteria: it is a conservative change, it occurs at a poorly conserved position in the protein, it is predicted to be benign by multiple in silico algorithms, and/or has population frequency not consistent with disease.

NM_004655.4(AXIN2):c.1816C>T (p.Leu606=)

Gene: AXIN2 (axin 2; minus strand). Cytogenetic location: 17q24.1.
Variant type: single nucleotide variant.
Coding change: c.1816C>T on transcript NM_004655.4 (MANE Select); coding-DNA position 1816, C replaced by T.
Protein change: p.Leu606=; no amino-acid change (leucine 606 retained).
Molecular consequence: synonymous variant. On other transcripts: intron variant (1).
Genome position (GRCh38, 1-based): chr17:65,536,960, G>A on the plus strand (C>T on the coding strand, the complement: AXIN2 is on the minus strand). VCF-style: chr17-65536960-G-A. GRCh37 (hg19) VCF-style: chr17-63533078-G-A.
Other names: c.1712+364C>T (NM_001363813.1); c.1816C>T (LRG_296t1).
Identifiers: ClinVar variation 387181 (VCV000387181.16), dbSNP rs1057522718, ClinGen allele CA16607828.